The following is an entry in ClinVar:

ClinVar aggregate classification (germline): Likely pathogenic (1 of 4 stars; one submission).

Conditions:
Arrhythmogenic right ventricular dysplasia 9 (ARVD9). Also called: Arrhythmogenic Right Ventricular Dysplasia/Cardiomyopathy 9; ARRHYTHMOGENIC RIGHT VENTRICULAR DYSPLASIA, FAMILIAL, 9. Identifiers: MedGen C1836906, MONDO:0012180, OMIM 609040.

Submission:

Labcorp Genetics (formerly Invitae), Labcorp
Classification: Likely pathogenic for Arrhythmogenic right ventricular dysplasia 9. Last evaluated: 2024-01-10. Review status: criteria provided, single submitter. Criteria: Invitae Variant Classification Sherloc (09022015). Collection method: clinical testing. Allele origin: unknown.
Comment: This variant results in the deletion of exon 2 and part of exon 3 (c.224-631_352delins33) of the PKP2 gene. It is expected to disrupt RNA splicing. Variants that disrupt the donor or acceptor splice site typically lead to a loss of protein function (PMID: 16199547), and loss-of-function variants in PKP2 are known to be pathogenic (PMID: 15489853, 23911551). This variant has not been reported in the literature in individuals affected with PKP2-related conditions. In summary, the currently available evidence indicates that the variant is pathogenic, but additional data are needed to prove that conclusively. Therefore, this variant has been classified as Likely Pathogenic.

Literature cited by the submitters: PubMed 16199547; PubMed 15489853; PubMed 23911551.

NC_000012.11:g.(?_33031462)_(33032597_?)del

Gene: PKP2 (plakophilin 2; minus strand). Cytogenetic location: 12p11.21.
Variant type: Deletion.
Identifiers: ClinVar variation 3244297 (VCV003244297.1).